The following is an entry in ClinVar:

ClinVar aggregate classification (germline): Uncertain significance (1 of 4 stars; one submission).

Conditions:
Hereditary hyperekplexia. Identifiers: Orphanet 3197, MedGen C4084968, MONDO:0021022.

Submission:

Labcorp Genetics (formerly Invitae), Labcorp
Classification: Uncertain significance for Hereditary hyperekplexia. Last evaluated: 2023-06-04. Review status: criteria provided, single submitter. Criteria: Invitae Variant Classification Sherloc (09022015). Collection method: clinical testing. Allele origin: germline.
Comment: This variant has not been reported in the literature in individuals affected with GLRA1-related conditions. This variant is not present in population databases (gnomAD no frequency). This sequence change replaces alanine, which is neutral and non-polar, with valine, which is neutral and non-polar, at codon 385 of the GLRA1 protein (p.Ala385Val). Advanced modeling of protein sequence and biophysical properties (such as structural, functional, and spatial information, amino acid conservation, physicochemical variation, residue mobility, and thermodynamic stability) performed at Invitae indicates that this missense variant is not expected to disrupt GLRA1 protein function. In summary, the available evidence is currently insufficient to determine the role of this variant in disease. Therefore, it has been classified as a Variant of Uncertain Significance.

NM_000171.4(GLRA1):c.1154C>T (p.Ala385Val)

Gene: GLRA1 (glycine receptor alpha 1; minus strand). Cytogenetic location: 5q33.1.
Variant type: single nucleotide variant.
Coding change: c.1154C>T on transcript NM_000171.4 (MANE Select); coding-DNA position 1154, C replaced by T.
Protein change: p.Ala385Val; replaces alanine 385 with valine.
Molecular consequence: missense variant.
Genome position (GRCh38, 1-based): chr5:151,822,869, G>A on the plus strand (C>T on the coding strand, the complement: GLRA1 is on the minus strand). VCF-style: chr5-151822869-G-A. GRCh37 (hg19) VCF-style: chr5-151202430-G-A.
Other names: c.1178C>T, p.Ala393Val (NM_001146040.2); c.905C>T, p.Ala302Val (NM_001292000.2); short protein forms A302V, A385V, A393V.
Identifiers: ClinVar variation 2765675 (VCV002765675.3), dbSNP rs1581592590, ClinGen allele CA361850188.
Genomic context (GRCh38, chr5:151,822,869, plus strand): 5'-CGCATCTCCTCTGGGGACTTAGATGGTGCAGGAGGGGGGTTGGTGGTGTTACTGTTGTTG[G>A]CGCCCTTGACTGAGATGCCATCCTTGGCCTGTAGACAGGCTGGGCCCATCCCATAGGCAG-3'
Protein context (NP_000162.2, residues 375-395): QAKDGISVKG[Ala385Val]NNSNTTNPPP